The following is an entry in ClinVar:

ClinVar aggregate classification (germline): Uncertain significance (1 of 4 stars; one submission).

Conditions:
Baller-Gerold syndrome (BGS). Also called: CRANIOSYNOSTOSIS WITH RADIAL DEFECTS. Identifiers: Orphanet 1225, MedGen C0265308, MONDO:0009039, OMIM 218600.

Submission:

Labcorp Genetics (formerly Invitae), Labcorp
Classification: Uncertain significance for Baller-Gerold syndrome. Last evaluated: 2019-06-20. Review status: criteria provided, single submitter. Criteria: Invitae Variant Classification Sherloc (09022015). Collection method: clinical testing. Allele origin: germline.
Comment: The frequency data for this variant in the population databases is considered unreliable, as metrics indicate insufficient coverage at this position in the ExAC database. In summary, the available evidence is currently insufficient to determine the role of this variant in disease. Therefore, it has been classified as a Variant of Uncertain Significance. Algorithms developed to predict the effect of missense changes on protein structure and function are either unavailable or do not agree on the potential impact of this missense change (SIFT: "Deleterious"; PolyPhen-2: "Not Available"; Align-GVGD: "Class C15"). This variant has not been reported in the literature in individuals with RECQL4-related conditions. This sequence change replaces glycine with valine at codon 23 of the RECQL4 protein (p.Gly23Val). The glycine residue is highly conserved and there is a moderate physicochemical difference between glycine and valine.

NM_004260.4(RECQL4):c.68G>T (p.Gly23Val)

Genes: RECQL4 (RecQ like helicase 4; minus strand), LOC130001411 (ATAC-STARR-seq lymphoblastoid silent region 19699; plus strand). Cytogenetic location: 8q24.3.
Variant type: single nucleotide variant.
Coding change: c.68G>T on transcript NM_004260.4 (MANE Select); coding-DNA position 68, G replaced by T.
Protein change: p.Gly23Val; replaces glycine 23 with valine.
Molecular consequence: missense variant.
Genome position (GRCh38, 1-based): chr8:144,517,717, C>A on the plus strand (G>T on the coding strand, the complement: RECQL4 is on the minus strand). VCF-style: chr8-144517717-C-A. GRCh37 (hg19) VCF-style: chr8-145743101-C-A.
Other names: short protein forms G23V.
Identifiers: ClinVar variation 946931 (VCV000946931.5), dbSNP rs1815429028, ClinGen allele CA372693683.
Genomic context (GRCh38, chr8:144,517,717, plus strand): 5'-CGCGGGCCGCGCCCTCAGCCCCTCGGCCCCTGGGCAGCCCGCACCTGGCTCGGTCGCCGC[C>A]CGCGCTGCCGTCGGAACGCGCGCTCCCACGCCTGCAGCCGCTCCCGCACGTCCCGCAGCC-3'
Protein context (NP_004251.4, residues 13-33): AWERAFRRQR[Gly23Val]RRPSQDDVEA